The following is an entry in ClinVar:

NM_002529.4(NTRK1):c.1892_1893delinsG (p.Ala631fs)

Gene: NTRK1 (neurotrophic receptor tyrosine kinase 1; plus strand). Cytogenetic location: 1q23.1.
Variant type: Indel.
Coding change: c.1892_1893delinsG on transcript NM_002529.4 (MANE Select); coding-DNA positions 1892 to 1893, CT replaced by G.
Protein change: p.Ala631fs; shifts the reading frame from alanine 631.
Molecular consequence: frameshift variant.
Genome position (GRCh38, 1-based): chr1:156,879,208-156,879,209, CT replaced by G. VCF-style: chr1-156879208-CT-G. GRCh37 (hg19) VCF-style: chr1-156849000-CT-G.
Other names: c.1784_1785delinsG, p.Ala595fs (NM_001007792.1); c.1874_1875delinsG, p.Ala625fs (NM_001012331.2); short protein forms A631fs, A625fs, A595fs.
Identifiers: ClinVar variation 5004973 (VCV005004973.2).

ClinVar aggregate classification (germline): Likely pathogenic (1 of 4 stars; one submission).

Conditions:
Hereditary insensitivity to pain with anhidrosis (CIPA). Also called: INSENSITIVITY TO PAIN, CONGENITAL, WITH ANHIDROSIS; hereditary sensory and autonomic neuropathy type 4; NTRK1 Congenital Insensitivity to Pain with Anhidrosis; HSAN Type IV; FAMILIAL DYSAUTONOMIA, TYPE II; NEUROPATHY, CONGENITAL SENSORY, WITH ANHIDROSIS. Identifiers: Orphanet 642, MedGen C0020074, MONDO:0009746, OMIM 256800.

Submission:

Juno Genomics, Hangzhou Juno Genomics, Inc
Classification: Likely pathogenic for Hereditary insensitivity to pain with anhidrosis. Review status: criteria provided, single submitter. Criteria: ACMG Guidelines, 2015. Collection method: clinical testing. Allele origin: germline.
Comment: Null variant in a gene where loss of function (LOF) is a known mechanism of disease.;Absent from controls (or at extremely low frequency if recessive) in Genome Aggregation Database.